The following is an entry in ClinVar:

ClinVar aggregate classification (germline): Pathogenic (1 of 4 stars; one submission).

Conditions:
Glycogen storage disease type III (GSD3). Also called: Cori disease; FORBES DISEASE. Identifiers: Orphanet 366, MedGen C0017922, MONDO:0009291, OMIM 232400.

Submission:

Labcorp Genetics (formerly Invitae), Labcorp
Classification: Pathogenic for Glycogen storage disease type III. Last evaluated: 2023-08-05. Review status: criteria provided, single submitter. Criteria: Invitae Variant Classification Sherloc (09022015). Collection method: clinical testing. Allele origin: germline.
Comment: For these reasons, this variant has been classified as Pathogenic. This variant has not been reported in the literature in individuals affected with AGL-related conditions. This variant is not present in population databases (gnomAD no frequency). This sequence change creates a premature translational stop signal (p.Lys265Asnfs*10) in the AGL gene. It is expected to result in an absent or disrupted protein product. Loss-of-function variants in AGL are known to be pathogenic (PMID: 19299494).

Literature cited by the submitters: PubMed 19299494.

NM_000642.3(AGL):c.795del (p.Lys265fs)

Gene: AGL (amylo-alpha-1,6-glucosidase and 4-alpha-glucanotransferase; plus strand). Cytogenetic location: 1p21.2.
Variant type: Deletion.
Coding change: c.795del on transcript NM_000642.3 (MANE Select); coding-DNA position 795, one base deleted (A; older notation c.795delA).
Protein change: p.Lys265fs; shifts the reading frame from lysine 265.
Molecular consequence: frameshift variant.
Genome position (GRCh38, 1-based): chr1:99,870,530, A deleted; the last of 3 consecutive A bases (chr1:99,870,528-99,870,530); deleting any one gives the same sequence. VCF-style (leftmost placement, unchanged base first): chr1-99870527-GA-G. GRCh37 (hg19) VCF-style: chr1-100336083-GA-G.
Other names: c.795delA, p.Lys265Asnfs (NM_001425327.1, NM_000028.3, NM_000643.3 and 3 more transcripts); c.591delA, p.Lys197Asnfs (NM_001425328.1, NM_001425329.1); c.417delA, p.Lys139Asnfs (NM_001425332.1); c.747delA, p.Lys249Asnfs (NM_000646.3); short protein forms K265fs, K249fs.
Identifiers: ClinVar variation 2741058 (VCV002741058.3), dbSNP rs2524559797, ClinGen allele CA2697552539.